The following is an entry in ClinVar:

ClinVar aggregate classification (germline): Likely benign. Review status: criteria provided, multiple submitters, no conflicts (2 of 4 stars). 2 submissions from 2 submitters: Likely benign (2). Last evaluated 2026-01-21.

Conditions:
Kufor-Rakeb syndrome (KRS). Also called: PARKINSON DISEASE 9, AUTOSOMAL RECESSIVE, JUVENILE-ONSET. Identifiers: Orphanet 306674, Orphanet 314632, MedGen C1847640, MONDO:0011706, OMIM 606693.
Autosomal recessive spastic paraplegia type 78. Identifiers: Orphanet 513436, MedGen C5567893, MONDO:0014975, OMIM 617225.

Allele frequency attached by ClinVar (database versions not stated): TOPMed 0.00007; gnomAD 0.00009; ExAC 0.00016; 1000 Genomes Project 30x 0.00047.

Submissions (2):

Labcorp Genetics (formerly Invitae), Labcorp
Classification: Likely benign for Kufor-Rakeb syndrome; Autosomal recessive spastic paraplegia type 78. Last evaluated: 2026-01-21. Review status: criteria provided, single submitter. Criteria: Invitae Variant Classification Sherloc (09022015). Collection method: clinical testing. Allele origin: germline.

CeGaT Center for Human Genetics Tuebingen
Classification: Likely benign. Last evaluated: 2022-10-01. Review status: criteria provided, single submitter. Criteria: CeGaT Center For Human Genetics Tuebingen Variant Classification Criteria Version 2. Collection method: clinical testing. Allele origin: germline. Affected: yes. Observed: 1 variant allele.
Comment: ATP13A2: BP4, BP7

NM_022089.4(ATP13A2):c.1572C>T (p.Asp524=)

Gene: ATP13A2 (ATPase cation transporting 13A2; minus strand). Cytogenetic location: 1p36.13.
Variant type: single nucleotide variant.
Coding change: c.1572C>T on transcript NM_022089.4 (MANE Select); coding-DNA position 1572, C replaced by T.
Protein change: p.Asp524=; no amino-acid change (aspartic acid 524 retained).
Molecular consequence: synonymous variant.
Genome position (GRCh38, 1-based): chr1:16,993,806, G>A on the plus strand (C>T on the coding strand, the complement: ATP13A2 is on the minus strand). VCF-style: chr1-16993806-G-A. GRCh37 (hg19) VCF-style: chr1-17320301-G-A.
Other names: c.1557C>T, p.Asp519= (NM_001141973.3, NM_001141974.3).
Identifiers: ClinVar variation 2638390 (VCV002638390.25), dbSNP rs748207741, ClinGen allele CA637139.